The following is an entry in ClinVar:

NM_001330078.2(NRXN1):c.3384T>G (p.Phe1128Leu)

Gene: NRXN1 (neurexin 1; minus strand). Cytogenetic location: 2p16.3.
Variant type: single nucleotide variant.
Coding change: c.3384T>G on transcript NM_001330078.2 (MANE Select); coding-DNA position 3384, T replaced by G.
Protein change: p.Phe1128Leu; replaces phenylalanine 1128 with leucine.
Molecular consequence: missense variant.
Genome position (GRCh38, 1-based): chr2:50,236,951, A>C on the plus strand (T>G on the coding strand, the complement: NRXN1 is on the minus strand). VCF-style: chr2-50236951-A-C. GRCh37 (hg19) VCF-style: chr2-50464089-A-C.
Other names: c.3504T>G, p.Phe1168Leu (NM_001135659.3); c.3360T>G, p.Phe1120Leu (NM_001330077.2, NM_001330082.2); c.3318T>G, p.Phe1106Leu (NM_001330083.2, NM_001330084.2); c.3357T>G, p.Phe1119Leu (NM_001330085.2); c.3384T>G, p.Phe1128Leu (NM_001330086.2, NM_004801.6); c.3273T>G, p.Phe1091Leu (NM_001330087.2, NM_001330096.2); c.3303T>G, p.Phe1101Leu (NM_001330088.2); c.279T>G, p.Phe93Leu (NM_001330091.2, NM_001330092.2, NM_001330097.2 and 1 more transcripts); and 3 more; short protein forms F1091L, F1101L, F1128L, F1168L, F1120L, F1106L, F1119L, F1124L.
Identifiers: ClinVar variation 2751650 (VCV002751650.3), dbSNP rs751894635, ClinGen allele CA346821112.
Genomic context (GRCh38, chr2:50,236,951, plus strand): 5'-TCGTGTACTGGGTCGGTCATTAGGAGGCCACTTATACGTGATTTGTCCACCACCTTTGCT[A>C]AAGATATATGTCGTCCCAGCTGGAAAACAAAAACCAAAACCAATTAGTCCAAATACATCA-3'
Protein context (NP_001317007.1, residues 1118-1138): LCNDPGTTYI[Phe1128Leu]SKGGGQITYK

ClinVar aggregate classification (germline): Uncertain significance (1 of 4 stars; one submission).

Conditions:
Pitt-Hopkins-like syndrome 2 (PTHSL2). Identifiers: Orphanet 221150, Orphanet 600663, MedGen C3280479, MONDO:0013690, OMIM 614325.

Submission:

Labcorp Genetics (formerly Invitae), Labcorp
Classification: Uncertain significance for Pitt-Hopkins-like syndrome 2. Last evaluated: 2023-09-10. Review status: criteria provided, single submitter. Criteria: Invitae Variant Classification Sherloc (09022015). Collection method: clinical testing. Allele origin: germline.
Comment: This sequence change replaces phenylalanine, which is neutral and non-polar, with leucine, which is neutral and non-polar, at codon 1168 of the NRXN1 protein (p.Phe1168Leu). This variant is not present in population databases (gnomAD no frequency). This variant has not been reported in the literature in individuals affected with NRXN1-related conditions. Advanced modeling of protein sequence and biophysical properties (such as structural, functional, and spatial information, amino acid conservation, physicochemical variation, residue mobility, and thermodynamic stability) performed at Invitae indicates that this missense variant is not expected to disrupt NRXN1 protein function. In summary, the available evidence is currently insufficient to determine the role of this variant in disease. Therefore, it has been classified as a Variant of Uncertain Significance.